The following is an entry in ClinVar:

ClinVar aggregate classification (germline): Uncertain significance. Review status: criteria provided, multiple submitters, no conflicts (2 of 4 stars). 3 submissions from 3 submitters: Uncertain significance (3). Last evaluated 2025-12-18.

Conditions:
Inborn genetic diseases. Identifiers: MedGen C0950123, MeSH D030342.
Epidermolysis bullosa simplex 3, localized or generalized intermediate, with BP230 deficiency (EBS3). Also called: Epidermolysis bullosa simplex, autosomal recessive 2; Epidermolysis bullosa simplex due to BP230 deficiency. Identifiers: Orphanet 412181, MedGen C3809470, MONDO:0014180, OMIM 615425.
Hereditary sensory and autonomic neuropathy type 6. Also called: HSAN VI; Neuropathy, hereditary sensory and autonomic, type VI. Identifiers: Orphanet 314381, MedGen C3539003, MONDO:0013839, OMIM 614653.
DST-related disorder. Also called: DST-related condition; DST-related disorders.

Allele frequency attached by ClinVar (database versions not stated): ExAC 0.00002; gnomAD exomes 0.00002 and 0.00005; gnomAD 0.00003 and 0.00004; ESP Exome Variant Server 0.00008.
gnomAD v4.1: 73 of 1,613,670 alleles (0.0045%); highest among the groups gnomAD compares: Non-Finnish European, 0.0058%; no homozygotes.

Submissions (3):

PreventionGenetics, part of Exact Sciences
Classification: Uncertain significance for DST-related condition. Last evaluated: 2025-12-18. Review status: criteria provided, single submitter. Criteria: ACMG Guidelines, 2015. Collection method: clinical testing. Allele origin: germline.
Comment: The DST c.10500G>A variant is predicted to result in the amino acid substitution p.Met3500Ile. To our knowledge, this variant has not been reported in the literature. This variant is reported in 0.0083% of alleles in individuals of African descent in gnomAD. At this time, the clinical significance of this variant is uncertain due to the absence of conclusive functional and genetic evidence.

Ambry Genetics
Classification: Uncertain significance for Inborn genetic diseases. Last evaluated: 2023-06-16. Review status: criteria provided, single submitter. Criteria: Ambry Variant Classification Scheme 2023. Collection method: clinical testing. Allele origin: germline.

Labcorp Genetics (formerly Invitae), Labcorp
Classification: Uncertain significance for Epidermolysis bullosa simplex 3, localized or generalized intermediate, with BP230 deficiency; Hereditary sensory and autonomic neuropathy type 6. Last evaluated: 2022-06-27. Review status: criteria provided, single submitter. Criteria: Invitae Variant Classification Sherloc (09022015). Collection method: clinical testing. Allele origin: germline.
Comment: The DST gene has multiple clinically relevant transcripts. This variant occurs in alternate transcript NM_015548.4, and corresponds to NM_001723.5:c.*80311G>A in the primary transcript. This sequence change replaces methionine, which is neutral and non-polar, with isoleucine, which is neutral and non-polar, at codon 2996 of the DST protein ( p.Met2996Ile ). This variant is present in population databases (rs376390192, gnomAD 0.008%). This variant has not been reported in the literature in individuals affected with DST-related conditions. Experimental studies and prediction algorithms are not available or were not evaluated, and the functional significance of this variant is currently unknown. In summary, the available evidence is currently insufficient to determine the role of this variant in disease. Therefore, it has been classified as a Variant of Uncertain Significance.

NM_001374736.1(DST):c.16857G>A (p.Met5619Ile)

Gene: DST (dystonin; minus strand). Cytogenetic location: 6p12.1.
Variant type: single nucleotide variant.
Coding change: c.16857G>A on transcript NM_001374736.1 (MANE Select); coding-DNA position 16857, G replaced by A.
Protein change: p.Met5619Ile; replaces methionine 5619 with isoleucine.
Molecular consequence: missense variant.
Genome position (GRCh38, 1-based): chr6:56,535,206, C>T on the plus strand (G>A on the coding strand, the complement: DST is on the minus strand). VCF-style: chr6-56535206-C-T. GRCh37 (hg19) VCF-style: chr6-56400004-C-T.
Other names: c.10500G>A, p.Met3500Ile (NM_001144769.5); c.10086G>A, p.Met3362Ile (NM_001144770.2); c.16857G>A, p.Met5619Ile (NM_001374722.1); c.16224G>A, p.Met5408Ile (NM_001374729.1); c.9966G>A, p.Met3322Ile (NM_001374730.1, NM_001386100.1, NM_183380.4); c.16884G>A, p.Met5628Ile (NM_001374734.1); c.8988G>A, p.Met2996Ile (NM_015548.5); short protein forms M2996I, M3500I, M5408I, M5619I, M5628I, M3362I, M3322I.
Identifiers: ClinVar variation 1350892 (VCV001350892.6), dbSNP rs376390192, ClinGen allele CA3867579.